The following is an entry in ClinVar:

NM_004064.5(CDKN1B):c.386A>T (p.His129Leu)

Gene: CDKN1B (cyclin dependent kinase inhibitor 1B; plus strand). Cytogenetic location: 12p13.1.
Variant type: single nucleotide variant.
Coding change: c.386A>T on transcript NM_004064.5 (MANE Select); coding-DNA position 386, A replaced by T.
Protein change: p.His129Leu; replaces histidine 129 with leucine.
Molecular consequence: missense variant.
Genome position (GRCh38, 1-based): chr12:12,718,225, A>T. VCF-style: chr12-12718225-A-T. GRCh37 (hg19) VCF-style: chr12-12871159-A-T.
Other names: short protein forms H129L.
Identifiers: ClinVar variation 1735667 (VCV001735667.3), dbSNP rs766996989, ClinGen allele CA383970554.
Genomic context (GRCh38, chr12:12,718,225, plus strand): 5'-TCAGCGGGAGCCGCCCGGCGGCGCCTTTAATTGGGGCTCCGGCTAACTCTGAGGACACGC[A>T]TTTGGTGGACCCAAAGACTGATCCGTCGGACAGCCAGACGGGGTTAGCGGAGCAATGCGC-3'
Protein context (NP_004055.1, residues 119-139): IGAPANSEDT[His129Leu]LVDPKTDPSD

ClinVar aggregate classification (germline): Uncertain significance (1 of 4 stars; one submission).

Conditions:
Hereditary cancer-predisposing syndrome. Also called: Neoplastic Syndromes, Hereditary; Tumor predisposition; Hereditary Cancer Syndrome; Hereditary neoplastic syndrome. Identifiers: Orphanet 140162, MedGen C0027672, MeSH D009386, MONDO:0015356.

Submission:

Ambry Genetics
Classification: Uncertain significance for Hereditary cancer-predisposing syndrome. Last evaluated: 2025-01-08. Review status: criteria provided, single submitter. Criteria: Ambry Variant Classification Scheme 2023. Collection method: clinical testing. Allele origin: germline.
Comment: The p.H129L variant (also known as c.386A>T), located in coding exon 1 of the CDKN1B gene, results from an A to T substitution at nucleotide position 386. The histidine at codon 129 is replaced by leucine, an amino acid with similar properties. This amino acid position is conserved. In addition, this alteration is predicted to be tolerated by in silico analysis. Since supporting evidence is limited at this time, the clinical significance of this alteration remains unclear.